The following is an entry in ClinVar:

ClinVar aggregate classification (germline): Uncertain significance (1 of 4 stars; one submission).

Conditions:
Familial thoracic aortic aneurysm and aortic dissection (TAAD). Also called: Thoracic aortic aneurysms and dissections. Identifiers: Orphanet 91387, MedGen C4707243, MONDO:0019625.

Submission:

Color Diagnostics, LLC DBA Color Health
Classification: Uncertain significance for Familial thoracic aortic aneurysm and aortic dissection. Last evaluated: 2025-10-27. Review status: criteria provided, single submitter. Criteria: ACMG Guidelines, 2015. Collection method: clinical testing. Allele origin: germline.
Comment: This missense variant replaces serine with asparagine at codon 311 of the SMAD3 protein. Computational prediction is inconclusive regarding the impact of this variant on protein structure and function. To our knowledge, functional studies have not been reported for this variant. This variant has not been reported in individuals affected with SMAD3-related disorders in the literature. This variant has not been identified in the general population by the Genome Aggregation Database (gnomAD). The available evidence is insufficient to determine the role of this variant in disease conclusively. Therefore, this variant is classified as a Variant of Uncertain Significance.

NM_005902.4(SMAD3):c.932G>A (p.Ser311Asn)

Gene: SMAD3 (SMAD family member 3; plus strand). Cytogenetic location: 15q22.33.
Variant type: single nucleotide variant.
Coding change: c.932G>A on transcript NM_005902.4 (MANE Select); coding-DNA position 932, G replaced by A.
Protein change: p.Ser311Asn; replaces serine 311 with asparagine.
Molecular consequence: missense variant. On other transcripts: intron variant (1).
Genome position (GRCh38, 1-based): chr15:67,184,787, G>A. VCF-style: chr15-67184787-G-A. GRCh37 (hg19) VCF-style: chr15-67477125-G-A.
Other names: c.617G>A, p.Ser206Asn (NM_001145102.2, NM_001407016.1); c.800G>A, p.Ser267Asn (NM_001145103.2, NM_001407012.1); c.347G>A, p.Ser116Asn (NM_001145104.2, NM_001407017.1); c.932G>A, p.Ser311Asn (NM_001407011.1); c.785G>A, p.Ser262Asn (NM_001407014.1); c.485G>A, p.Ser162Asn (NM_001407015.1); c.872-2578G>A (NM_001407013.1); short protein forms S116N, S162N, S206N, S262N, S267N, S311N.
Identifiers: ClinVar variation 4758176 (VCV004758176.1).
Genomic context (GRCh38, chr15:67,184,787, plus strand): 5'-GAAGAGGCGTGCGGCTCTACTACATCGGAGGGGAGGTCTTCGCAGAGTGCCTCAGTGACA[G>A]CGCTATTTTTGTCCAGTCTCCCAACTGTAACCAGCGCTATGGCTGGCACCCGGCCACCGT-3'
Protein context (NP_005893.1, residues 301-321): GEVFAECLSD[Ser311Asn]AIFVQSPNCN